The following is an entry in ClinVar:

ClinVar aggregate classification (germline): Uncertain significance (1 of 4 stars; one submission).

Conditions:
Hereditary cancer-predisposing syndrome. Also called: Hereditary neoplastic syndrome; Tumor predisposition; Hereditary Cancer Syndrome; Neoplastic Syndromes, Hereditary. Identifiers: Orphanet 140162, MedGen C0027672, MeSH D009386, MONDO:0015356.

Allele frequency attached by ClinVar (database versions not stated): gnomAD exomes below 0.00001.
gnomAD v4.1: 1 of 1,610,330 alleles (0.000062%); highest among the groups gnomAD compares: Non-Finnish European, 0.000085%; no homozygotes.

Submission:

Ambry Genetics
Classification: Uncertain significance for Hereditary cancer-predisposing syndrome. Last evaluated: 2023-07-05. Review status: criteria provided, single submitter. Criteria: Ambry Variant Classification Scheme 2023. Collection method: clinical testing. Allele origin: germline.
Comment: The p.G818R variant (also known as c.2452G>C), located in coding exon 23 of the RB1 gene, results from a G to C substitution at nucleotide position 2452. The glycine at codon 818 is replaced by arginine, an amino acid with dissimilar properties. This amino acid position is conserved. In addition, the in silico prediction for this alteration is inconclusive. Since supporting evidence is limited at this time, the clinical significance of this alteration remains unclear.

NM_000321.3(RB1):c.2452G>C (p.Gly818Arg)

Gene: RB1 (RB transcriptional corepressor 1; plus strand). Cytogenetic location: 13q14.2.
Variant type: single nucleotide variant.
Coding change: c.2452G>C on transcript NM_000321.3 (MANE Select); coding-DNA position 2452, G replaced by C.
Protein change: p.Gly818Arg; replaces glycine 818 with arginine.
Molecular consequence: missense variant.
Genome position (GRCh38, 1-based): chr13:48,465,331, G>C. VCF-style: chr13-48465331-G-C. GRCh37 (hg19) VCF-style: chr13-49039467-G-C.
Other names: c.2452G>C, p.Gly818Arg (NM_001407165.1); short protein forms G818R.
Identifiers: ClinVar variation 2585726 (VCV002585726.2), dbSNP rs2138346071, ClinGen allele CA388168016.